The following is an entry in ClinVar:

NM_006031.6(PCNT):c.207T>G (p.Ile69Met)

Gene: PCNT (pericentrin; plus strand). Cytogenetic location: 21q22.3.
Variant type: single nucleotide variant.
Coding change: c.207T>G on transcript NM_006031.6 (MANE Select); coding-DNA position 207, T replaced by G.
Protein change: p.Ile69Met; replaces isoleucine 69 with methionine.
Molecular consequence: missense variant. On other transcripts: 5 prime UTR variant (1).
Genome position (GRCh38, 1-based): chr21:46,326,529, T>G. VCF-style: chr21-46326529-T-G. GRCh37 (hg19) VCF-style: chr21-47746443-T-G.
Other names: c.-148T>G (NM_001315529.2); short protein forms I69M.
Identifiers: ClinVar variation 1715333 (VCV001715333.5), dbSNP rs2517878014, ClinGen allele CA410556673.

ClinVar aggregate classification (germline): Uncertain significance (1 of 4 stars; one submission).

Submission:

Labcorp Genetics (formerly Invitae), Labcorp
Classification: Uncertain significance. Last evaluated: 2025-02-17. Review status: criteria provided, single submitter. Criteria: Invitae Variant Classification Sherloc (09022015). Collection method: clinical testing. Allele origin: germline.
Comment: This sequence change replaces isoleucine, which is neutral and non-polar, with methionine, which is neutral and non-polar, at codon 69 of the PCNT protein (p.Ile69Met). This variant is not present in population databases (gnomAD no frequency). This variant has not been reported in the literature in individuals affected with PCNT-related conditions. ClinVar contains an entry for this variant (Variation ID: 1715333). An algorithm developed to predict the effect of missense changes on protein structure and function (PolyPhen-2) suggests that this variant is likely to be tolerated. In summary, the available evidence is currently insufficient to determine the role of this variant in disease. Therefore, it has been classified as a Variant of Uncertain Significance.